The following is an entry in ClinVar:

ClinVar aggregate classification (germline): Uncertain significance (1 of 4 stars; one submission).

Conditions:
Deficiency of alpha-mannosidase (MANSA). Also called: Alpha-Mannosidosis; Mannosidosis, alpha-, types I and II; LYSOSOMAL ALPHA-D-MANNOSIDASE DEFICIENCY. Identifiers: Orphanet 61, MedGen C0024748, MONDO:0009561, OMIM 248500.

Allele frequency attached by ClinVar (database versions not stated): gnomAD 0.00001; gnomAD exomes 0.00001; TOPMed 0.00001.

Submission:

Labcorp Genetics (formerly Invitae), Labcorp
Classification: Uncertain significance for Deficiency of alpha-mannosidase. Last evaluated: 2022-08-16. Review status: criteria provided, single submitter. Criteria: Invitae Variant Classification Sherloc (09022015). Collection method: clinical testing. Allele origin: germline.
Comment: This sequence change replaces alanine, which is neutral and non-polar, with valine, which is neutral and non-polar, at codon 381 of the MAN2B1 protein (p.Ala381Val). This variant is present in population databases (no rsID available, gnomAD 0.002%). This variant has not been reported in the literature in individuals affected with MAN2B1-related conditions. ClinVar contains an entry for this variant (Variation ID: 1382086). Algorithms developed to predict the effect of missense changes on protein structure and function are either unavailable or do not agree on the potential impact of this missense change (SIFT: "Deleterious"; PolyPhen-2: "Possibly Damaging"; Align-GVGD: "Class C0"). In summary, the available evidence is currently insufficient to determine the role of this variant in disease. Therefore, it has been classified as a Variant of Uncertain Significance.

NM_000528.4(MAN2B1):c.1142C>T (p.Ala381Val)

Gene: MAN2B1 (mannosidase alpha class 2B member 1; minus strand). Cytogenetic location: 19p13.13.
Variant type: single nucleotide variant.
Coding change: c.1142C>T on transcript NM_000528.4 (MANE Select); coding-DNA position 1142, C replaced by T.
Protein change: p.Ala381Val; replaces alanine 381 with valine.
Molecular consequence: missense variant.
Genome position (GRCh38, 1-based): chr19:12,658,312, G>A on the plus strand (C>T on the coding strand, the complement: MAN2B1 is on the minus strand). VCF-style: chr19-12658312-G-A. GRCh37 (hg19) VCF-style: chr19-12769126-G-A.
Other names: c.1139C>T, p.Ala380Val (NM_001173498.2); short protein forms A380V, A381V.
Identifiers: ClinVar variation 1382086 (VCV001382086.3), dbSNP rs971436574, ClinGen allele CA305471553.